The following is an entry in ClinVar:

NM_025137.4(SPG11):c.5434G>C (p.Gly1812Arg)

Gene: SPG11 (SPG11 vesicle trafficking associated, spatacsin; minus strand). Cytogenetic location: 15q21.1.
Variant type: single nucleotide variant.
Coding change: c.5434G>C on transcript NM_025137.4 (MANE Select); coding-DNA position 5434, G replaced by C.
Protein change: p.Gly1812Arg; replaces glycine 1812 with arginine.
Molecular consequence: missense variant.
Genome position (GRCh38, 1-based): chr15:44,584,246, C>G on the plus strand (G>C on the coding strand, the complement: SPG11 is on the minus strand). VCF-style: chr15-44584246-C-G. GRCh37 (hg19) VCF-style: chr15-44876444-C-G.
Other names: c.5434G>C, p.Gly1812Arg (NM_001160227.2); short protein forms G1812R.
Identifiers: ClinVar variation 1407899 (VCV001407899.3), dbSNP rs1309027007, ClinGen allele CA392222554.

ClinVar aggregate classification (germline): Uncertain significance (1 of 4 stars; one submission).

Conditions:
Hereditary spastic paraplegia 11. Also called: Nakamura Osame syndrome; Autosomal recessive hereditary spastic paraplegia, mental impairment, and thin corpus callosum; Spastic Paraplegia 11; SPASTIC PARAPLEGIA, AUTOSOMAL RECESSIVE, COMPLICATED, WITH THIN CORPUS CALLOSUM; SPASTIC PARAPLEGIA, AUTOSOMAL RECESSIVE, WITH MENTAL IMPAIRMENT AND THIN CORPUS CALLOSUM; Spastic paraplegia, mental retardation and thin corpus callosum. Identifiers: Orphanet 2822, MedGen C1858479, MONDO:0011445, OMIM 604360.

Allele frequency attached by ClinVar (database versions not stated): gnomAD exomes below 0.00001 and 0.00001; gnomAD 0.00001; TOPMed 0.00001.
gnomAD v4.1: 5 of 1,614,040 alleles (0.00031%); highest among the groups gnomAD compares: Non-Finnish European, 0.00034%; no homozygotes.

Submission:

Labcorp Genetics (formerly Invitae), Labcorp
Classification: Uncertain significance for Hereditary spastic paraplegia 11. Last evaluated: 2021-11-06. Review status: criteria provided, single submitter. Criteria: Invitae Variant Classification Sherloc (09022015). Collection method: clinical testing. Allele origin: germline.
Comment: This sequence change replaces glycine, which is neutral and non-polar, with arginine, which is basic and polar, at codon 1812 of the SPG11 protein (p.Gly1812Arg). This variant is present in population databases (no rsID available, gnomAD 0.002%). This variant has not been reported in the literature in individuals affected with SPG11-related conditions. Algorithms developed to predict the effect of missense changes on protein structure and function output the following: SIFT: "Tolerated"; PolyPhen-2: "Benign"; Align-GVGD: "Class C0". The arginine amino acid residue is found in multiple mammalian species, which suggests that this missense change does not adversely affect protein function. In summary, the available evidence is currently insufficient to determine the role of this variant in disease. Therefore, it has been classified as a Variant of Uncertain Significance.